The following is an entry in ClinVar:

ClinVar aggregate classification (germline): Uncertain significance (1 of 4 stars; one submission).

Submission:

Labcorp Genetics (formerly Invitae), Labcorp
Classification: Uncertain significance. Last evaluated: 2024-09-23. Review status: criteria provided, single submitter. Criteria: Invitae Variant Classification Sherloc (09022015). Collection method: clinical testing. Allele origin: germline.
Comment: This sequence change replaces valine, which is neutral and non-polar, with glutamic acid, which is acidic and polar, at codon 510 of the GPR179 protein (p.Val510Glu). This variant is not present in population databases (gnomAD no frequency). This variant has not been reported in the literature in individuals affected with GPR179-related conditions. An algorithm developed to predict the effect of missense changes on protein structure and function (PolyPhen-2) suggests that this variant is likely to be tolerated. In summary, the available evidence is currently insufficient to determine the role of this variant in disease. Therefore, it has been classified as a Variant of Uncertain Significance.

NM_001004334.4(GPR179):c.1529T>A (p.Val510Glu)

Gene: GPR179 (G protein-coupled receptor 179; minus strand). Cytogenetic location: 17q12.
Variant type: single nucleotide variant.
Coding change: c.1529T>A on transcript NM_001004334.4 (MANE Select); coding-DNA position 1529, T replaced by A.
Protein change: p.Val510Glu; replaces valine 510 with glutamic acid.
Molecular consequence: missense variant.
Genome position (GRCh38, 1-based): chr17:38,335,149, A>T on the plus strand (T>A on the coding strand, the complement: GPR179 is on the minus strand). VCF-style: chr17-38335149-A-T. GRCh37 (hg19) VCF-style: chr17-36491032-A-T.
Other names: short protein forms V510E.
Identifiers: ClinVar variation 2999634 (VCV002999634.3), dbSNP rs1356145508, ClinGen allele CA398886679.